The following is an entry in ClinVar:

NM_138281.3(DLX4):c.27C>T (p.Pro9=)

Gene: DLX4 (distal-less homeobox 4; plus strand). Cytogenetic location: 17q21.33.
Variant type: single nucleotide variant.
Coding change: c.27C>T on transcript NM_138281.3 (MANE Select); coding-DNA position 27, C replaced by T.
Protein change: p.Pro9=; no amino-acid change (proline 9 retained).
Molecular consequence: synonymous variant.
Genome position (GRCh38, 1-based): chr17:49,969,495, C>T. VCF-style: chr17-49969495-C-T. GRCh37 (hg19) VCF-style: chr17-48046859-C-T.
Identifiers: ClinVar variation 4977803 (VCV004977803.1).

ClinVar aggregate classification (germline): Likely benign (1 of 4 stars; one submission).

Conditions:
DLX4-related disorder. Also called: DLX4-related condition.

Submission:

PreventionGenetics, part of Exact Sciences
Classification: Likely benign for DLX4-related condition. Last evaluated: 2026-04-10. Review status: criteria provided, single submitter. Criteria: ACMG Guidelines, 2015. Collection method: clinical testing. Allele origin: germline.
Comment: This variant is classified as likely benign based on ACMG/AMP sequence variant interpretation guidelines (Richards et al. 2015 PMID: 25741868, with internal and published modifications).